The following is an entry in ClinVar:

NM_006231.4(POLE):c.5206G>A (p.Val1736Ile)

Gene: POLE (DNA polymerase epsilon, catalytic subunit; minus strand). Cytogenetic location: 12q24.33.
Variant type: single nucleotide variant.
Coding change: c.5206G>A on transcript NM_006231.4 (MANE Select); coding-DNA position 5206, G replaced by A.
Protein change: p.Val1736Ile; replaces valine 1736 with isoleucine.
Molecular consequence: missense variant.
Genome position (GRCh38, 1-based): chr12:132,641,819, C>T on the plus strand (G>A on the coding strand, the complement: POLE is on the minus strand). VCF-style: chr12-132641819-C-T. GRCh37 (hg19) VCF-style: chr12-133218405-C-T.
Other names: c.5206G>A (NM_006231.2); short protein forms V1736I.
Identifiers: ClinVar variation 405666 (VCV000405666.15), dbSNP rs770181299, ClinGen allele CA6892593.

ClinVar aggregate classification (germline): Uncertain significance. Review status: criteria provided, multiple submitters, no conflicts (2 of 4 stars). 5 submissions from 5 submitters: Uncertain significance (5). Last evaluated 2026-01-13.

Conditions:
Facial dysmorphism-immunodeficiency-livedo-short stature syndrome. Also called: Facial dysmorphism, immunodeficiency, livedo, and short stature; FILS syndrome. Identifiers: Orphanet 352712, MedGen C3554576, MONDO:0014058, OMIM 615139.
Colorectal cancer, susceptibility to, 12 (CRCS12). Also called: COLORECTAL CANCER, SUSCEPTIBILITY TO, ON CHROMOSOME 12q24. Identifiers: Orphanet 220460, MedGen C3554460, MONDO:0014038, OMIM 615083.
Intrauterine growth retardation, metaphyseal dysplasia, adrenal hypoplasia congenita, genital anomalies, and immunodeficiency. Also called: IMAGEI SYNDROME. Identifiers: MedGen C5193036, MONDO:0032684, OMIM 618336.
Hereditary cancer-predisposing syndrome. Also called: Hereditary Cancer Syndrome; Hereditary neoplastic syndrome; Neoplastic Syndromes, Hereditary; Tumor predisposition. Identifiers: Orphanet 140162, MedGen C0027672, MeSH D009386, MONDO:0015356.

Allele frequency attached by ClinVar (database versions not stated): ExAC 0.00001; gnomAD exomes 0.00002; TOPMed 0.00003; gnomAD 0.00005.
gnomAD v4.1: 44 of 1,602,046 alleles (0.0027%); highest among the groups gnomAD compares: East Asian, 0.029%; no homozygotes.

Submissions (5):

Labcorp Genetics (formerly Invitae), Labcorp
Classification: Uncertain significance. Last evaluated: 2026-01-13. Review status: criteria provided, single submitter. Criteria: Invitae Variant Classification Sherloc (09022015). Collection method: clinical testing. Allele origin: germline.
Comment: This sequence change replaces valine, which is neutral and non-polar, with isoleucine, which is neutral and non-polar, at codon 1736 of the POLE protein (p.Val1736Ile). This variant is present in population databases (rs770181299, gnomAD 0.01%). This variant has not been reported in the literature in individuals affected with POLE-related conditions. ClinVar contains an entry for this variant (Variation ID: 405666). Invitae Evidence Modeling of protein sequence and biophysical properties (such as structural, functional, and spatial information, amino acid conservation, physicochemical variation, residue mobility, and thermodynamic stability) indicates that this missense variant is not expected to disrupt POLE protein function with a negative predictive value of 80%. In summary, the available evidence is currently insufficient to determine the role of this variant in disease. Therefore, it has been classified as a Variant of Uncertain Significance.

Genomic Medicine Center of Excellence, King Faisal Specialist Hospital and Research Centre
Classification: Uncertain significance for Colorectal cancer, susceptibility to, 12. Last evaluated: 2025-09-10. Review status: criteria provided, single submitter. Criteria: ACMG Guidelines, 2015. Collection method: clinical testing. Allele origin: germline.

Ambry Genetics
Classification: Uncertain significance for Hereditary cancer-predisposing syndrome. Last evaluated: 2024-12-16. Review status: criteria provided, single submitter. Criteria: Ambry Variant Classification Scheme 2023. Collection method: clinical testing. Allele origin: germline.
Comment: The p.V1736I variant (also known as c.5206G>A), located in coding exon 39 of the POLE gene, results from a G to A substitution at nucleotide position 5206. The valine at codon 1736 is replaced by isoleucine, an amino acid with highly similar properties. This amino acid position is highly conserved in available vertebrate species. In addition, this alteration is predicted to be tolerated by in silico analysis. Based on the available evidence, the clinical significance of this variant remains unclear.

Fulgent Genetics
Classification: Uncertain significance for Colorectal cancer, susceptibility to, 12; Facial dysmorphism-immunodeficiency-livedo-short stature syndrome; Intrauterine growth retardation, metaphyseal dysplasia, adrenal hypoplasia congenita, genital anomalies, and immunodeficiency. Last evaluated: 2024-02-05. Review status: criteria provided, single submitter. Criteria: ACMG Guidelines, 2015. Collection method: clinical testing. Allele origin: germline.

GeneDx
Classification: Uncertain significance. Last evaluated: 2023-07-12. Review status: criteria provided, single submitter. Criteria: GeneDx Variant Classification Process June 2021. Collection method: clinical testing. Allele origin: germline. Affected: yes.
Comment: In silico analysis supports that this missense variant does not alter protein structure/function; Has not been previously published as pathogenic or benign to our knowledge